The following is an entry in ClinVar:

ClinVar aggregate classification (germline): Conflicting classifications of pathogenicity. Review status: criteria provided, conflicting classifications (1 of 4 stars). 12 submissions from 12 submitters: Uncertain significance (9); Likely benign (2). 1 of the submissions does not count toward it. Last evaluated 2026-01-23.

Conditions:
Hereditary cancer-predisposing syndrome. Also called: Neoplastic Syndromes, Hereditary; Hereditary Cancer Syndrome; Tumor predisposition; Hereditary neoplastic syndrome. Identifiers: Orphanet 140162, MedGen C0027672, MeSH D009386, MONDO:0015356.
Familial cancer of breast. Also called: Hereditary breast cancer; hereditary breast carcinoma; BREAST CANCER, FAMILIAL. Identifiers: Orphanet 227535, MedGen C0346153, MONDO:0016419, OMIM 114480. Disease mechanism: loss of function.
Ataxia-telangiectasia syndrome (AT). Also called: Cerebello-oculocutaneous telangiectasia; Immunodeficiency with ataxia telangiectasia; Ataxia-telangiectasia, complementation group D; AT, COMPLEMENTATION GROUP C; Ataxia-telangiectasia, complementation group E; Ataxia-telangiectasia. Identifiers: Orphanet 100, MedGen C0004135, MONDO:0008840, OMIM 208900.

Allele frequency attached by ClinVar (database versions not stated): gnomAD exomes 0.00002 and 0.00003; ExAC 0.00003; gnomAD 0.00004 and 0.00006; TOPMed 0.00006; ESP Exome Variant Server 0.00008.
gnomAD v4.1: 40 of 1,612,996 alleles (0.0025%); highest among the groups gnomAD compares: African/African-American, 0.0053%; no homozygotes.

Submissions (12):

Labcorp Genetics (formerly Invitae), Labcorp
Classification: Uncertain significance for Ataxia-telangiectasia syndrome. Last evaluated: 2026-01-23. Review status: criteria provided, single submitter. Criteria: Invitae Variant Classification Sherloc (09022015). Collection method: clinical testing. Allele origin: germline.
Comment: This sequence change replaces tyrosine, which is neutral and polar, with histidine, which is basic and polar, at codon 316 of the ATM protein (p.Tyr316His). This variant is present in population databases (rs142317485, gnomAD 0.01%). This missense change has been observed in individual(s) with breast cancer, including male breast cancer (PMID: 28779002, 30613976). ClinVar contains an entry for this variant (Variation ID: 220453). Invitae Evidence Modeling of protein sequence and biophysical properties (such as structural, functional, and spatial information, amino acid conservation, physicochemical variation, residue mobility, and thermodynamic stability) indicates that this missense variant is not expected to disrupt ATM protein function with a negative predictive value of 95%. In summary, the available evidence is currently insufficient to determine the role of this variant in disease. Therefore, it has been classified as a Variant of Uncertain Significance.

GeneDx
Classification: Uncertain significance. Last evaluated: 2024-12-10. Review status: criteria provided, single submitter. Criteria: GeneDx Variant Classification Process June 2021. Collection method: clinical testing. Allele origin: germline. Affected: yes.
Comment: Not observed at significant frequency in large population cohorts (gnomAD); In silico analysis supports that this missense variant has a deleterious effect on protein structure/function; Observed in individuals with a personal or family history including leukemia and breast cancer as well as in unaffected controls (PMID: 25587027, 27633522, 28779002, 33471991, 34482403); This variant is associated with the following publications: (PMID: 27633522, 25587027, 28779002, 28652578, 30613976, 33471991, 34482403, 37450374, 37529773)

Blueprint Genetics
Classification: Uncertain significance. Last evaluated: 2024-10-01. Review status: criteria provided, single submitter. Criteria: ACMG Guidelines, 2015. Collection method: clinical testing. Allele origin: germline.

Baylor Genetics
Classification: Uncertain significance for Familial cancer of breast. Last evaluated: 2024-02-27. Review status: criteria provided, single submitter. Criteria: ACMG Guidelines, 2015. Collection method: clinical testing. Allele origin: unknown.

Color Diagnostics, LLC DBA Color Health
Classification: Uncertain significance for Hereditary cancer-predisposing syndrome. Last evaluated: 2024-01-29. Review status: criteria provided, single submitter. Criteria: ACMG Guidelines, 2015. Collection method: clinical testing. Allele origin: germline.
Comment: This missense variant replaces tyrosine with histidine at codon 316 of the ATM protein. Computational prediction is inconclusive regarding the impact of this variant on protein structure and function. To our knowledge, functional studies have not been reported for this variant. This variant has been reported in an individuals affected with breast cancer but also in healthy control individuals (PMID: 28779002, 30613976, 33471991). This variant has been identified in 7/250984 chromosomes in the general population by the Genome Aggregation Database (gnomAD). The available evidence is insufficient to determine the role of this variant in disease conclusively. Therefore, this variant is classified as a Variant of Uncertain Significance.

Women's Health and Genetics/Laboratory Corporation of America, LabCorp
Classification: Uncertain significance. Last evaluated: 2023-04-26. Review status: criteria provided, single submitter. Criteria: LabCorp Variant Classification Summary - May 2015. Collection method: clinical testing. Allele origin: germline.
Comment: Variant summary: ATM c.946T>C (p.Tyr316His) results in a conservative amino acid change in the encoded protein sequence. Three of five in-silico tools predict a damaging effect of the variant on protein function. The variant allele was found at a frequency of 2.8e-05 in 250984 control chromosomes (gnomAD). The available data on variant occurrences in the general population are insufficient to allow any conclusion about variant significance. These reports do not provide unequivocal conclusions about association of the variant with Breast Cancer. To our knowledge, no experimental evidence demonstrating an impact on protein function has been reported. The following publications have been ascertained in the context of this evaluation (PMID: 30613976, 28779002). Nine submitters have provided clinical-significance assessments for this variant to ClinVar after 2014 and classified the variant as either VUS (n=8) or likely benign (n=1). Based on the evidence outlined above, the variant was classified as uncertain significance.

Ambry Genetics
Classification: Likely benign for Hereditary cancer-predisposing syndrome. Last evaluated: 2023-04-03. Review status: criteria provided, single submitter. Criteria: Ambry Variant Classification Scheme 2023. Collection method: clinical testing. Allele origin: germline.

CeGaT Center for Human Genetics Tuebingen
Classification: Likely benign. Last evaluated: 2022-10-01. Review status: criteria provided, single submitter. Criteria: CeGaT Center For Human Genetics Tuebingen Variant Classification Criteria Version 2. Collection method: clinical testing. Allele origin: germline. Affected: yes. Observed: 1 variant allele.
Comment: ATM: BP1, BS2

Sema4
Classification: Uncertain significance for Hereditary cancer-predisposing syndrome. Last evaluated: 2021-06-24. Review status: criteria provided, single submitter. Criteria: Sema4 Curation Guidelines. Collection method: curation. Allele origin: germline.
Comment: The ATM c.946T>C (p.Y316H) variant has been reported in individuals with breast cancer (PMID: 33471991, 28779002). However, it was also reported in controls from the same case-control studies (PMID: 33471991, 28779002). It was observed in 2/18382 chromosomes of the East Asian subpopulation in the large and broad cohorts of the Genome Aggregation Database (PMID: 32461654). The variant has been reported in ClinVar (Variation ID 222032). In silico tools suggest the impact of the variant on protein function is inconclusive though these predictions have not been confirmed by functional studies. The evidence is insufficient to meet ACMG/AMP criteria for classifying the variant as benign or pathogenic. Thus, the clinical significance of this variant is currently uncertain.

Genetic Services Laboratory, University of Chicago
Classification: Uncertain significance. Last evaluated: 2021-06-14. Review status: criteria provided, single submitter. Criteria: ACMG Guidelines, 2015. Collection method: clinical testing. Allele origin: germline. Affected: no.
Comment: DNA sequence analysis of the ATM gene demonstrated a sequence change, c.946T>C, in exon 8 that results in an amino acid change, p.Tyr316His. This sequence change has been described in gnomAD with a frequency of 0.011 in the East Asian sub-population. (dbSNP rs142317485). The p.Tyr316His change affects a highly conserved amino acid residue located in a domain of the ATM protein that is known to be functional. The p.Tyr316His substitution appears to be damaging using several in-silico pathogenicity prediction tools (SIFT, PolyPhen2, Align GVGD, REVEL). This sequence change has been reported in one individual with breast cancer however, it was also identified in two unaffected controls (PMID: 28779002). Due to the lack of sufficient evidences, the clinical significance of the p.Tyr316His change remains unknown at this time.

Mendelics
Classification: Uncertain significance for Ataxia-telangiectasia syndrome. Last evaluated: 2019-05-28. Review status: criteria provided, single submitter. Criteria: Mendelics Assertion Criteria 2017. Collection method: clinical testing. Allele origin: unknown.

Natera, Inc.
Classification: Uncertain significance for Ataxia-telangiectasia. Last evaluated: 2020-07-28. Review status: no assertion criteria provided. Collection method: clinical testing. Allele origin: germline. Not counted in ClinVar's aggregate classification.

Literature cited by the submitters: PubMed 28779002 (cited by 5 submitters); PubMed 30613976 (cited by 4 submitters); PubMed 33471991 (cited by 3 submitters).

NM_000051.4(ATM):c.946T>C (p.Tyr316His)

Gene: ATM (ATM serine/threonine kinase; plus strand). Cytogenetic location: 11q22.3.
Variant type: single nucleotide variant.
Coding change: c.946T>C on transcript NM_000051.4 (MANE Select); coding-DNA position 946, T replaced by C.
Protein change: p.Tyr316His; replaces tyrosine 316 with histidine.
Molecular consequence: missense variant.
Genome position (GRCh38, 1-based): chr11:108,247,008, T>C. VCF-style: chr11-108247008-T-C. GRCh37 (hg19) VCF-style: chr11-108117735-T-C.
Other names: c.946T>C, p.Tyr316His (NM_001351834.2); short protein forms Y316H.
Identifiers: ClinVar variation 220453 (VCV000220453.68), dbSNP rs142317485, ClinGen allele CA348479.